The following is an entry in ClinVar:

ClinVar aggregate classification (germline): Pathogenic (1 of 4 stars; one submission).

Conditions:
Exostoses, multiple, type 1 (EXT1). Also called: EXOSTOSES, MULTIPLE, TYPE I; Hereditary Multiple Osteochondromatosis, Type I. Identifiers: MedGen CN263289, MONDO:0007585, OMIM 133700.

Submission:

Clinical Biomedical Laboratory, Shriners Hospital For Children - Canada
Classification: Pathogenic for Exostoses, multiple, type 1. Review status: criteria provided, single submitter. Criteria: ACMG Guidelines, 2015. Collection method: clinical testing. Allele origin: germline. Affected: yes.
Comment: This variant is predicted to substitute a proline residue by an arginine residue in EXT1. This variant is absent in the Genome Aggregation Database (gnomAD v2.1.1), indicating it is very rare. Computational tools (REVEL: 0.98) suggest that the amino acid change is deleterious to protein function. The gene is associated with multiple exostoses, which is the clinical diagnosis of the proband. Based on the ACMG variant interpretation guidelines (criteria: PM2, PP2, PP3, PP4), the available evidence supports classification of this variant as pathogenic.

NM_000127.3(EXT1):c.704C>G (p.Pro235Arg)

Gene: EXT1 (exostosin glycosyltransferase 1; minus strand). Cytogenetic location: 8q24.11.
Variant type: single nucleotide variant.
Coding change: c.704C>G on transcript NM_000127.3 (MANE Select); coding-DNA position 704, C replaced by G.
Protein change: p.Pro235Arg; replaces proline 235 with arginine.
Molecular consequence: missense variant.
Genome position (GRCh38, 1-based): chr8:118,110,343, G>C on the plus strand (C>G on the coding strand, the complement: EXT1 is on the minus strand). VCF-style: chr8-118110343-G-C. GRCh37 (hg19) VCF-style: chr8-119122582-G-C.
Other names: short protein forms P235R.
Identifiers: ClinVar variation 4819329 (VCV004819329.1).